The following is an entry in ClinVar:

ClinVar aggregate classification (germline): Pathogenic/Likely pathogenic. Review status: criteria provided, multiple submitters, no conflicts (2 of 4 stars). 5 submissions from 5 submitters: Pathogenic (3); Likely pathogenic (1). 1 of the submissions does not count toward it. Last evaluated 2025-12-11.

Conditions:
Sialuria. Also called: SIALURIA, FRENCH TYPE; Sialic Acid Storage Disease. Identifiers: Orphanet 3166, MedGen C0342853, MONDO:0010028, OMIM 269921.
Thrombocytopenia 12 with or without myopathy (THC12). Identifiers: MedGen C5935593, MONDO:0958325, OMIM 620757.
GNE myopathy (NM). Also called: NONAKA DISTAL MYOPATHY; INCLUSION BODY MYOPATHY, HEREDITARY, AUTOSOMAL RECESSIVE; INCLUSION BODY MYOPATHY 2, AUTOSOMAL RECESSIVE; IBM 2; Inclusion body myopathy autosomal recessive; Inclusion body myopathy quadriceps sparing. Identifiers: Orphanet 602, MedGen C1853926, MONDO:0011603, OMIM 605820.

Allele frequency attached by ClinVar (database versions not stated): gnomAD 0.00001; gnomAD exomes below 0.00001.
gnomAD v4.1: 4 of 1,612,588 alleles (0.00025%); highest among the groups gnomAD compares: Non-Finnish European, 0.00034%; no homozygotes.

Submissions (5):

Labcorp Genetics (formerly Invitae), Labcorp
Classification: Pathogenic for Sialuria; GNE myopathy. Last evaluated: 2025-12-11. Review status: criteria provided, single submitter. Criteria: Invitae Variant Classification Sherloc (09022015). Collection method: clinical testing. Allele origin: germline.
Comment: This sequence change creates a premature translational stop signal (p.Trp235*) in the GNE gene. It is expected to result in an absent or disrupted protein product. Loss-of-function variants in GNE are known to be pathogenic (PMID: 24027297). This variant is present in population databases (rs786204476, gnomAD 0.007%). This premature translational stop signal has been observed in individual(s) with autosomal recessive inclusion body myopathy (PMID: 20059379). This variant is also known as W204X. ClinVar contains an entry for this variant (Variation ID: 188796). For these reasons, this variant has been classified as Pathogenic.

Natera, Inc.
Classification: Pathogenic for Nonaka myopathy. Last evaluated: 2024-09-26. Review status: criteria provided, single submitter. Criteria: Natera Variant Classification Schema (03/2026). Collection method: clinical testing. Allele origin: germline.
Comment: The c.705G>A variant in GNE is a nonsense variant predicted to introduce a stop codon at amino acid 235. This variant is expected to result in nonsense mediated decay, truncation, or a dysfunctional protein product. This variant is rare in the general population with a frequency below the threshold expected for the associated phenotype(s). This variant has been observed in one or more individuals affected with the associated recessive disease, as either homozygous or compound heterozygous with a second variant (PMID: 20059379). Given the available evidence, this variant is classified as Pathogenic.

Fulgent Genetics
Classification: Likely pathogenic for Sialuria; GNE myopathy; Thrombocytopenia 12 with or without myopathy. Last evaluated: 2024-04-13. Review status: criteria provided, single submitter. Criteria: ACMG Guidelines, 2015. Collection method: clinical testing. Allele origin: germline.

Baylor Genetics
Classification: Pathogenic for GNE myopathy. Last evaluated: 2023-08-03. Review status: criteria provided, single submitter. Criteria: ACMG Guidelines, 2015. Collection method: clinical testing. Allele origin: unknown.

Counsyl
Classification: Likely pathogenic for Inclusion body myopathy 2. Last evaluated: 2014-05-21. Review status: no assertion criteria provided. Collection method: literature only. Allele origin: unknown. Inheritance: Autosomal recessive inheritance. Not counted in ClinVar's aggregate classification.

Literature cited by the submitters: PubMed 24027297 (cited by Labcorp Genetics (formerly Invitae), Labcorp); PubMed 20059379 (cited by 3 submitters).

NM_005476.7(GNE):c.612G>A (p.Trp204Ter)

Gene: GNE (glucosamine (UDP-N-acetyl)-2-epimerase/N-acetylmannosamine kinase; minus strand). Cytogenetic location: 9p13.3.
Variant type: single nucleotide variant.
Coding change: c.612G>A on transcript NM_005476.7 (MANE Select); coding-DNA position 612, G replaced by A.
Protein change: p.Trp204Ter; replaces tryptophan 204 with a stop codon.
Molecular consequence: nonsense.
Genome position (GRCh38, 1-based): chr9:36,246,035, C>T on the plus strand (G>A on the coding strand, the complement: GNE is on the minus strand). VCF-style: chr9-36246035-C-T. GRCh37 (hg19) VCF-style: chr9-36246032-C-T.
Other names: c.705G>A (NM_001128227.2); c.705G>A, p.Trp235Ter (NM_001128227.3); c.612G>A, p.Trp204Ter (NM_001190383.3, NM_001374797.1); c.435G>A, p.Trp145Ter (NM_001190384.3, NM_001190388.2, NM_001374798.1); short protein forms W204*, W235*, W145*.
Identifiers: ClinVar variation 188796 (VCV000188796.14), dbSNP rs786204476, ClinGen allele CA273969.